The following is an entry in ClinVar:

ClinVar aggregate classification (germline): Uncertain significance. Review status: criteria provided, multiple submitters, no conflicts (2 of 4 stars). 2 submissions from 2 submitters: Uncertain significance (2). Last evaluated 2026-05-26.

Conditions:
Inborn genetic diseases. Identifiers: MedGen C0950123, MeSH D030342.

Allele frequency attached by ClinVar (database versions not stated): gnomAD 0.00001; gnomAD exomes below 0.00001; TOPMed below 0.00001.
gnomAD v4.1: 3 of 1,608,500 alleles (0.00019%); highest among the groups gnomAD compares: Non-Finnish European, 0.00025%; no homozygotes.

Submissions (2):

Ambry Genetics
Classification: Uncertain significance for Inborn genetic diseases. Last evaluated: 2026-05-26. Review status: criteria provided, single submitter. Criteria: Ambry Variant Classification Scheme 2023. Collection method: clinical testing. Allele origin: germline.

Labcorp Genetics (formerly Invitae), Labcorp
Classification: Uncertain significance. Last evaluated: 2025-02-24. Review status: criteria provided, single submitter. Criteria: Invitae Variant Classification Sherloc (09022015). Collection method: clinical testing. Allele origin: germline.
Comment: This sequence change replaces alanine, which is neutral and non-polar, with threonine, which is neutral and polar, at codon 795 of the CHD8 protein (p.Ala795Thr). This variant is not present in population databases (gnomAD no frequency). This variant has not been reported in the literature in individuals affected with CHD8-related conditions. ClinVar contains an entry for this variant (Variation ID: 1439572). Invitae Evidence Modeling of protein sequence and biophysical properties (such as structural, functional, and spatial information, amino acid conservation, physicochemical variation, residue mobility, and thermodynamic stability) indicates that this missense variant is not expected to disrupt CHD8 protein function with a negative predictive value of 95%. In summary, the available evidence is currently insufficient to determine the role of this variant in disease. Therefore, it has been classified as a Variant of Uncertain Significance.

NM_001170629.2(CHD8):c.2383G>A (p.Ala795Thr)

Gene: CHD8 (chromodomain helicase DNA binding protein 8; minus strand). Cytogenetic location: 14q11.2.
Variant type: single nucleotide variant.
Coding change: c.2383G>A on transcript NM_001170629.2 (MANE Select); coding-DNA position 2383, G replaced by A.
Protein change: p.Ala795Thr; replaces alanine 795 with threonine.
Molecular consequence: missense variant.
Genome position (GRCh38, 1-based): chr14:21,408,807, C>T on the plus strand (G>A on the coding strand, the complement: CHD8 is on the minus strand). VCF-style: chr14-21408807-C-T. GRCh37 (hg19) VCF-style: chr14-21876966-C-T.
Other names: c.1546G>A, p.Ala516Thr (NM_020920.4); c.2383G>A (NM_001170629.1); short protein forms A516T, A795T.
Identifiers: ClinVar variation 1439572 (VCV001439572.7), dbSNP rs1363064989, ClinGen allele CA388876316.